The following is an entry in ClinVar:

NM_138694.4(PKHD1):c.5358C>G (p.Ser1786Arg)

Gene: PKHD1 (PKHD1 ciliary IPT domain containing fibrocystin/polyductin; minus strand). Cytogenetic location: 6p12.2.
Variant type: single nucleotide variant.
Coding change: c.5358C>G on transcript NM_138694.4 (MANE Select); coding-DNA position 5358, C replaced by G.
Protein change: p.Ser1786Arg; replaces serine 1786 with arginine.
Molecular consequence: missense variant.
Genome position (GRCh38, 1-based): chr6:52,022,823, G>C on the plus strand (C>G on the coding strand, the complement: PKHD1 is on the minus strand). VCF-style: chr6-52022823-G-C. GRCh37 (hg19) VCF-style: chr6-51887621-G-C.
Other names: c.5358C>G, p.Ser1786Arg (NM_170724.3); short protein forms S1786R.
Identifiers: ClinVar variation 1804983 (VCV001804983.1), dbSNP rs78543922, ClinGen allele CA364427465.

ClinVar aggregate classification (germline): Uncertain significance (1 of 4 stars; one submission).

Conditions:
Polycystic kidney disease 4 (PKD4). Also called: PKD3; Autosomal Recessive Polycystic Kidney Disease – PKHD1; POLYCYSTIC KIDNEY AND HEPATIC DISEASE 1; POLYCYSTIC KIDNEY DISEASE, INFANTILE, TYPE I; POLYCYSTIC KIDNEY DISEASE 4 WITH OR WITHOUT POLYCYSTIC LIVER DISEASE. Identifiers: MedGen C4540575, MONDO:0033004, OMIM 263200.

gnomAD v4.1: 2 of 1,614,100 alleles (0.00012%); highest among the groups gnomAD compares: African/African-American, 0.0013%; no homozygotes.

Submission:

Victorian Clinical Genetics Services, Murdoch Childrens Research Institute
Classification: Uncertain significance for Polycystic kidney disease 4. Last evaluated: 2021-05-06. Review status: criteria provided, single submitter. Criteria: ACMG Guidelines, 2015. Collection method: clinical testing. Allele origin: germline. Inheritance: Autosomal recessive inheritance.
Comment: Based on the classification scheme VCGS_Germline_v1.3.4, this variant is classified as VUS-3A. Following criteria are met: 0102 - Loss of function is a known mechanism of disease in this gene and is associated with polycystic kidney disease 4, with or without hepatic disease (MIM#263200). (I) 0106 - This gene is associated with autosomal recessive disease. (I) 0200 - Variant is predicted to result in a missense amino acid change from serine to arginine. (I) 0251 - This variant is heterozygous. (I) 0301 - Variant is absent from gnomAD (both v2 and v3). (SP) 0309 - An alternative amino acid change at the same position has been observed in gnomAD (v2) (1 heterozygote, 0 homozygotes). (I) 0501 - Missense variant consistently predicted to be damaging by multiple in silico tools or highly conserved with a major amino acid change. (SP) 0604 - Variant is not located in an established domain, motif, hotspot or informative constraint region, however it is located at a phosphorylated residue (PDB, PhosphoSitePlus). (I) 0705 - No comparable missense variants have previous evidence for pathogenicity. (I) 0807 - This variant has no previous evidence of pathogenicity. (I) 0905 - No published segregation evidence has been identified for this variant. (I) 1007 - No published functional evidence has been identified for this variant. It is recommended that this result be confirmed in an accredited lab. (I) Legend: (SP) - Supporting pathogenic, (I) - Information, (SB) - Supporting benign